The following is an entry in ClinVar:

NM_007055.4(POLR3A):c.240A>C (p.Leu80=)

Genes: POLR3A (RNA polymerase III subunit A; minus strand), LOC126860971 (CDK7 strongly-dependent group 2 enhancer GRCh37_chr10:79784551-79785750; plus strand). Cytogenetic location: 10q22.3.
Variant type: single nucleotide variant.
Coding change: c.240A>C on transcript NM_007055.4 (MANE Select); coding-DNA position 240, A replaced by C.
Protein change: p.Leu80=; no amino-acid change (leucine 80 retained).
Molecular consequence: synonymous variant.
Genome position (GRCh38, 1-based): chr10:78,025,700, T>G on the plus strand (A>C on the coding strand, the complement: POLR3A is on the minus strand). VCF-style: chr10-78025700-T-G. GRCh37 (hg19) VCF-style: chr10-79785458-T-G.
Other names: p.Leu80=.
Identifiers: ClinVar variation 301083 (VCV000301083.17), dbSNP rs12248310, ClinGen allele CA5571753.

ClinVar aggregate classification (germline): Benign. Review status: criteria provided, multiple submitters, no conflicts (2 of 4 stars). 5 submissions from 5 submitters: Benign (5). Last evaluated 2026-02-02.

Conditions:
Leukodystrophy, hypomyelinating, 7, with or without oligodontia and/or hypogonadotropic hypogonadism (HLD7). Also called: LEUKOENCEPHALOPATHY, HYPOMYELINATING, WITH ATAXIA AND DELAYED DENTITION; ATAXIA, DELAYED DENTITION, AND HYPOMYELINATION; LEUKODYSTROPHY, HYPOMYELINATING, 7, WITH OLIGODONTIA; LEUKODYSTROPHY, HYPOMYELINATING, 7, WITH OLIGODONTIA AND HYPOGONADOTROPIC HYPOGONADISM; LEUKODYSTROPHY, HYPOMYELINATING, 7, WITHOUT OLIGODONTIA OR HYPOGONADOTROPIC HYPOGONADISM; Ataxia, Delayed Dentition and Hypomyelination (ADDH). Identifiers: Orphanet 137639, Orphanet 447893, Orphanet 447896, Orphanet 77295, Orphanet 88637, MedGen CN034185, MONDO:0011897, OMIM 607694.

Allele frequency attached by ClinVar (database versions not stated): gnomAD exomes 0.00809; ExAC 0.01041; gnomAD 0.03210 and 0.03445; 1000 Genomes Project 0.03534; TOPMed 0.03682; 1000 Genomes Project 30x 0.03685; ESP Exome Variant Server 0.03967.
gnomAD v4.1: 9,635 of 1,613,916 alleles (0.6%); highest among the groups gnomAD compares: African/African-American, 11%; 539 homozygotes.

Submissions (5):

Labcorp Genetics (formerly Invitae), Labcorp
Classification: Benign. Last evaluated: 2026-02-02. Review status: criteria provided, single submitter. Criteria: Invitae Variant Classification Sherloc (09022015). Collection method: clinical testing. Allele origin: germline.

Mayo Clinic Laboratories, Mayo Clinic
Classification: Benign. Last evaluated: 2023-01-23. Review status: criteria provided, single submitter. Criteria: ACMG Guidelines, 2015. Collection method: clinical testing. Allele origin: germline. Observed: 8 variant alleles.

GeneDx
Classification: Benign. Last evaluated: 2021-04-16. Review status: criteria provided, single submitter. Criteria: GeneDx Variant Classification Process June 2021. Collection method: clinical testing. Allele origin: germline. Affected: yes.

Illumina Laboratory Services, Illumina
Classification: Benign for Leukodystrophy, hypomyelinating, 7, with or without oligodontia and/or hypogonadotropic hypogonadism. Last evaluated: 2018-01-13. Review status: criteria provided, single submitter. Criteria: ICSL Variant Classification Criteria 13 December 2019. Collection method: clinical testing. Allele origin: germline.
Comment: This variant was observed in the ICSL laboratory as part of a predisposition screen in an ostensibly healthy population. It had not been previously curated by ICSL or reported in the Human Gene Mutation Database (HGMD: prior to June 1st, 2018), and was therefore a candidate for classification through an automated scoring system. Utilizing variant allele frequency, disease prevalence and penetrance estimates, and inheritance mode, an automated score was calculated to assess if this variant is too frequent to cause the disease. Based on the score and internal cut-off values, a variant classified as benign is not then subjected to further curation. The score for this variant resulted in a classification of benign for this disease.

Breakthrough Genomics
Classification: Benign. Review status: criteria provided, single submitter. Criteria: ACMG Guidelines, 2015. Collection method: not provided. Allele origin: germline. Inheritance: Autosomal recessive inheritance. Affected: yes.